The following is an entry in ClinVar:

ClinVar aggregate classification (germline): Uncertain significance (1 of 4 stars; one submission).

Conditions:
Hereditary cancer-predisposing syndrome. Also called: Hereditary neoplastic syndrome; Tumor predisposition; Hereditary Cancer Syndrome; Neoplastic Syndromes, Hereditary. Identifiers: Orphanet 140162, MedGen C0027672, MeSH D009386, MONDO:0015356.

Submission:

Ambry Genetics
Classification: Uncertain significance for Hereditary cancer-predisposing syndrome. Last evaluated: 2023-07-09. Review status: criteria provided, single submitter. Criteria: Ambry Variant Classification Scheme 2023. Collection method: clinical testing. Allele origin: germline.
Comment: The p.E1090K variant (also known as c.3268G>A), located in coding exon 16 of the BLM gene, results from a G to A substitution at nucleotide position 3268. The glutamic acid at codon 1090 is replaced by lysine, an amino acid with similar properties. This amino acid position is conserved. In addition, the in silico prediction for this alteration is inconclusive. Since supporting evidence is limited at this time, the clinical significance of this alteration remains unclear.

NM_000057.4(BLM):c.3268G>A (p.Glu1090Lys)

Gene: BLM (BLM RecQ like helicase; plus strand). Cytogenetic location: 15q26.1.
Variant type: single nucleotide variant.
Coding change: c.3268G>A on transcript NM_000057.4 (MANE Select); coding-DNA position 3268, G replaced by A.
Protein change: p.Glu1090Lys; replaces glutamic acid 1090 with lysine.
Molecular consequence: missense variant.
Genome position (GRCh38, 1-based): chr15:90,798,247, G>A. VCF-style: chr15-90798247-G-A. GRCh37 (hg19) VCF-style: chr15-91341477-G-A.
Other names: c.3268G>A, p.Glu1090Lys (NM_001287246.2, NM_001287247.2); c.2143G>A, p.Glu715Lys (NM_001287248.2); short protein forms E1090K, E715K.
Identifiers: ClinVar variation 2586878 (VCV002586878.2), dbSNP rs2505534634, ClinGen allele CA393847222.